The following is an entry in ClinVar:

NM_000501.4(ELN):c.367G>A (p.Val123Met)

Gene: ELN (elastin; plus strand). Cytogenetic location: 7q11.23.
Variant type: single nucleotide variant.
Coding change: c.367G>A on transcript NM_000501.4 (MANE Select); coding-DNA position 367, G replaced by A.
Protein change: p.Val123Met; replaces valine 123 with methionine.
Molecular consequence: missense variant.
Genome position (GRCh38, 1-based): chr7:74,043,025, G>A. VCF-style: chr7-74043025-G-A. GRCh37 (hg19) VCF-style: chr7-73457355-G-A.
Other names: c.337G>A, p.Val113Met (NM_001081752.3, NM_001278914.2, NM_001278917.2 and 1 more transcripts); c.367G>A, p.Val123Met (NM_001081753.3, NM_001081754.3, NM_001081755.3 and 4 more transcripts); c.331G>A, p.Val111Met (NM_001278913.2); short protein forms V111M, V113M, V123M.
Identifiers: ClinVar variation 1378868 (VCV001378868.8), dbSNP rs1480312927, ClinGen allele CA367869416.
Genomic context (GRCh38, chr7:74,043,025, plus strand): 5'-ACCTGTCCTGGCTCTGCAGGCGCTGGGCTTGGTGGTGTCCCAGGAGTTGGTGGCTTAGGA[G>A]TGTCTGCAGGTACGATGGCTATCCCCGAACTCCCTGGGTCAAAGTTGCAGGCCTGGGTGG-3'
Protein context (NP_000492.2, residues 113-133): GGVPGVGGLG[Val123Met]SAGAVVPQPG

ClinVar aggregate classification (germline): Uncertain significance (1 of 4 stars; one submission).

Conditions:
Supravalvar aortic stenosis (SVAS). Also called: Supravalvar aortic stenosis, Eisenberg type. Identifiers: Orphanet 3193, MedGen C0003499, MONDO:0008504, OMIM 185500, HP:0004381.

Allele frequency attached by ClinVar (database versions not stated): gnomAD exomes below 0.00001; gnomAD 0.00002 and 0.00003; TOPMed 0.00002.

Submission:

Labcorp Genetics (formerly Invitae), Labcorp
Classification: Uncertain significance for Supravalvar aortic stenosis. Last evaluated: 2023-03-20. Review status: criteria provided, single submitter. Criteria: Invitae Variant Classification Sherloc (09022015). Collection method: clinical testing. Allele origin: germline.
Comment: Advanced modeling of protein sequence and biophysical properties (such as structural, functional, and spatial information, amino acid conservation, physicochemical variation, residue mobility, and thermodynamic stability) performed at Invitae indicates that this missense variant is not expected to disrupt ELN protein function. ClinVar contains an entry for this variant (Variation ID: 1378868). This variant has not been reported in the literature in individuals affected with ELN-related conditions. This variant is not present in population databases (gnomAD no frequency). This sequence change replaces valine, which is neutral and non-polar, with methionine, which is neutral and non-polar, at codon 123 of the ELN protein (p.Val123Met). In summary, the available evidence is currently insufficient to determine the role of this variant in disease. Therefore, it has been classified as a Variant of Uncertain Significance.